The following is an entry in ClinVar:

ClinVar aggregate classification (germline): Uncertain significance (1 of 4 stars; one submission).

Conditions:
Tumor predisposition syndrome 3 (TPDS3). Also called: Glioma susceptibility 9; LONG TELOMERE SYNDROME, POT1-RELATED; POT1 Tumor Predisposition; Melanoma, cutaneous malignant, susceptibility to, 10. Identifiers: Orphanet 618, MedGen C4014476, MONDO:0014368, OMIM 615848.

gnomAD v4.1: 1 of 1,536,358 alleles (0.000065%); highest among the groups gnomAD compares: Middle Eastern, 0.017%; no homozygotes.

Submission:

Labcorp Genetics (formerly Invitae), Labcorp
Classification: Uncertain significance for Tumor predisposition syndrome 3. Last evaluated: 2024-04-10. Review status: criteria provided, single submitter. Criteria: Invitae Variant Classification Sherloc (09022015). Collection method: clinical testing. Allele origin: germline.
Comment: This sequence change replaces glycine, which is neutral and non-polar, with aspartic acid, which is acidic and polar, at codon 20 of the POT1 protein (p.Gly20Asp). This variant is not present in population databases (gnomAD no frequency). This variant has not been reported in the literature in individuals affected with POT1-related conditions. Advanced modeling of protein sequence and biophysical properties (such as structural, functional, and spatial information, amino acid conservation, physicochemical variation, residue mobility, and thermodynamic stability) performed at Invitae indicates that this missense variant is not expected to disrupt POT1 protein function with a negative predictive value of 80%. In summary, the available evidence is currently insufficient to determine the role of this variant in disease. Therefore, it has been classified as a Variant of Uncertain Significance.

NM_015450.3(POT1):c.59G>A (p.Gly20Asp)

Gene: POT1 (protection of telomeres 1; minus strand). Cytogenetic location: 7q31.33.
Variant type: single nucleotide variant.
Coding change: c.59G>A on transcript NM_015450.3 (MANE Select); coding-DNA position 59, G replaced by A.
Protein change: p.Gly20Asp; replaces glycine 20 with aspartic acid.
Molecular consequence: missense variant. On other transcripts: 5 prime UTR variant (1), non-coding transcript variant (3).
Genome position (GRCh38, 1-based): chr7:124,892,331, C>T on the plus strand (G>A on the coding strand, the complement: POT1 is on the minus strand). VCF-style: chr7-124892331-C-T. GRCh37 (hg19) VCF-style: chr7-124532385-C-T.
Other names: c.-204G>A (NM_001042594.2); short protein forms G20D.
Identifiers: ClinVar variation 3699396 (VCV003699396.2).